The following is an entry in ClinVar:

ClinVar aggregate classification (germline): Uncertain significance (1 of 4 stars; one submission).

Submission:

GeneDx
Classification: Uncertain significance. Last evaluated: 2024-05-15. Review status: criteria provided, single submitter. Criteria: GeneDx Variant Classification Process June 2021. Collection method: clinical testing. Allele origin: germline. Affected: yes.
Comment: Not observed at significant frequency in large population cohorts (gnomAD); In silico analysis indicates that this missense variant does not alter protein structure/function; Has not been previously published as pathogenic or benign to our knowledge

NM_001378414.1(HDAC4):c.1556C>G (p.Pro519Arg)

Gene: HDAC4 (histone deacetylase 4; minus strand). Cytogenetic location: 2q37.3.
Variant type: single nucleotide variant.
Coding change: c.1556C>G on transcript NM_001378414.1 (MANE Select); coding-DNA position 1556, C replaced by G.
Protein change: p.Pro519Arg; replaces proline 519 with arginine.
Molecular consequence: missense variant.
Genome position (GRCh38, 1-based): chr2:239,115,288, G>C on the plus strand (C>G on the coding strand, the complement: HDAC4 is on the minus strand). VCF-style: chr2-239115288-G-C. GRCh37 (hg19) VCF-style: chr2-240036984-G-C.
Other names: c.1556C>G, p.Pro519Arg (NM_001378415.1); c.1541C>G, p.Pro514Arg (NM_001378416.1, NM_001378417.1, NM_006037.4); short protein forms P514R, P519R.
Identifiers: ClinVar variation 3377922 (VCV003377922.1).